The following is an entry in ClinVar:

ClinVar aggregate classification (germline): Uncertain significance (1 of 4 stars; one submission).

gnomAD v4.1: 8 of 1,613,446 alleles (0.0005%); highest among the groups gnomAD compares: Non-Finnish European, 0.00068%; no homozygotes.

Submission:

Ambry Genetics
Classification: Uncertain significance. Last evaluated: 2025-01-15. Review status: criteria provided, single submitter. Criteria: Ambry Variant Classification Scheme 2023. Collection method: clinical testing. Allele origin: germline.
Comment: The p.P524H variant (also known as c.1571C>A), located in coding exon 8 of the RNF43 gene, results from a C to A substitution at nucleotide position 1571. The proline at codon 524 is replaced by histidine, an amino acid with similar properties. This amino acid position is conserved. In addition, this alteration is predicted to be tolerated by in silico analysis. Based on the available evidence, the clinical significance of this variant remains unclear.

NM_017763.6(RNF43):c.1571C>A (p.Pro524His)

Gene: RNF43 (ring finger protein 43; minus strand). Cytogenetic location: 17q22.
Variant type: single nucleotide variant.
Coding change: c.1571C>A on transcript NM_017763.6 (MANE Select); coding-DNA position 1571, C replaced by A.
Protein change: p.Pro524His; replaces proline 524 with histidine.
Molecular consequence: missense variant.
Genome position (GRCh38, 1-based): chr17:58,358,205, G>T on the plus strand (C>A on the coding strand, the complement: RNF43 is on the minus strand). VCF-style: chr17-58358205-G-T. GRCh37 (hg19) VCF-style: chr17-56435566-G-T.
Other names: c.1571C>A, p.Pro524His (NM_001305544.3); c.1190C>A, p.Pro397His (NM_001305545.2); short protein forms P397H, P524H.
Identifiers: ClinVar variation 3789904 (VCV003789904.1).
Genomic context (GRCh38, chr17:58,358,205, plus strand): 5'-ACCTGGGTTTCCCCTGTGGGCACCACCGAGTCCAAGGAACGAGGCCGAGAGGTCACACTA[G>T]GCTGCATGTCCACTCGCTGGGGATCCCCTTTAGGGCTGCAGTACACTAGGGGGTCAAAGT-3'
Protein context (NP_060233.3, residues 514-534): KGDPQRVDMQ[Pro524His]SVTSRPRSLD